The following is an entry in ClinVar:

ClinVar aggregate classification (germline): Uncertain significance (1 of 4 stars; one submission).

Submission:

CeGaT Center for Human Genetics Tuebingen
Classification: Uncertain significance. Last evaluated: 2024-06-01. Review status: criteria provided, single submitter. Criteria: CeGaT Center For Human Genetics Tuebingen Variant Classification Criteria Version 2. Collection method: clinical testing. Allele origin: germline. Affected: yes. Observed: 1 variant allele.
Comment: FLNA: PM2

NM_001110556.2(FLNA):c.995T>C (p.Val332Ala)

Gene: FLNA (filamin A; minus strand). Cytogenetic location: Xq28.
Variant type: single nucleotide variant.
Coding change: c.995T>C on transcript NM_001110556.2 (MANE Select); coding-DNA position 995, T replaced by C.
Protein change: p.Val332Ala; replaces valine 332 with alanine.
Molecular consequence: missense variant.
Genome position (GRCh38, 1-based): chrX:154,366,632, A>G on the plus strand (T>C on the coding strand, the complement: FLNA is on the minus strand). VCF-style: chrX-154366632-A-G. GRCh37 (hg19) VCF-style: chrX-153595000-A-G.
Other names: c.995T>C, p.Val332Ala (NM_001456.4); short protein forms V332A.
Identifiers: ClinVar variation 3251083 (VCV003251083.18), dbSNP rs2522761919.